The following is an entry in ClinVar:

ClinVar aggregate classification (germline): Uncertain significance. Review status: criteria provided, multiple submitters, no conflicts (2 of 4 stars). 2 submissions from 2 submitters: Uncertain significance (2). Last evaluated 2025-08-30.

Conditions:
Retinitis pigmentosa 59 (RP59). Identifiers: Orphanet 791, MedGen C3151227, MONDO:0013468, OMIM 613861.
Inborn genetic diseases. Identifiers: MedGen C0950123, MeSH D030342.

Submissions (2):

Ambry Genetics
Classification: Uncertain significance for Inborn genetic diseases. Last evaluated: 2025-08-30. Review status: criteria provided, single submitter. Criteria: Ambry Variant Classification Scheme 2023. Collection method: clinical testing. Allele origin: germline.

Labcorp Genetics (formerly Invitae), Labcorp
Classification: Uncertain significance for Retinitis pigmentosa 59. Last evaluated: 2025-08-25. Review status: criteria provided, single submitter. Criteria: Invitae Variant Classification Sherloc (09022015). Collection method: clinical testing. Allele origin: germline.
Comment: This sequence change replaces aspartic acid, which is acidic and polar, with glutamic acid, which is acidic and polar, at codon 292 of the DHDDS protein (p.Asp292Glu). This variant is present in population databases (rs759006198, gnomAD 0.02%). This variant has not been reported in the literature in individuals affected with DHDDS-related conditions. ClinVar contains an entry for this variant (Variation ID: 2164387). An algorithm developed to predict the effect of missense changes on protein structure and function (PolyPhen-2) suggests that this variant is likely to be disruptive. In summary, the available evidence is currently insufficient to determine the role of this variant in disease. Therefore, it has been classified as a Variant of Uncertain Significance.

NM_205861.3(DHDDS):c.873C>A (p.Asp291Glu)

Gene: DHDDS (dehydrodolichyl diphosphate synthase subunit; plus strand). Cytogenetic location: 1p36.11.
Variant type: single nucleotide variant.
Coding change: c.873C>A on transcript NM_205861.3 (MANE Select); coding-DNA position 873, C replaced by A.
Protein change: p.Asp291Glu; replaces aspartic acid 291 with glutamic acid.
Molecular consequence: missense variant.
Genome position (GRCh38, 1-based): chr1:26,469,002, C>A. VCF-style: chr1-26469002-C-A. GRCh37 (hg19) VCF-style: chr1-26795493-C-A.
Other names: c.771C>A, p.Asp257Glu (NM_001243564.2); c.756C>A, p.Asp252Glu (NM_001243565.2); c.594C>A, p.Asp198Glu (NM_001319959.2); c.876C>A, p.Asp292Glu (NM_024887.4); c.876C>A (NM_024887.3); short protein forms D291E, D198E, D292E, D252E, D257E.
Identifiers: ClinVar variation 2164387 (VCV002164387.4), dbSNP rs759006198, ClinGen allele CA705479.